The following is an entry in ClinVar:

ClinVar aggregate classification (germline): Uncertain significance (1 of 4 stars; one submission).

Conditions:
Charcot-Marie-Tooth Neuropathy X. Identifiers: MedGen CN118851.

Submission:

Labcorp Genetics (formerly Invitae), Labcorp
Classification: Uncertain significance for Charcot-Marie-Tooth Neuropathy X. Last evaluated: 2025-11-18. Review status: criteria provided, single submitter. Criteria: Invitae Variant Classification Sherloc (09022015). Collection method: clinical testing. Allele origin: germline.
Comment: This sequence change affects an acceptor splice site in intron 6 of the PRPS1 gene. While this variant is not anticipated to result in nonsense mediated decay, it likely alters RNA splicing and results in a disrupted protein product. This variant is not present in population databases (gnomAD no frequency). This variant has not been reported in the literature in individuals affected with PRPS1-related conditions. Variants that disrupt the consensus splice site are a relatively common cause of aberrant splicing (PMID: 17576681, 9536098). Algorithms developed to predict the effect of sequence changes on RNA splicing suggest that this variant may disrupt the consensus splice site. In summary, the available evidence is currently insufficient to determine the role of this variant in disease. Therefore, it has been classified as a Variant of Uncertain Significance.

Literature cited by the submitters: PubMed 17576681; PubMed 9536098.

NM_002764.4(PRPS1):c.865-2A>T

Gene: PRPS1 (phosphoribosyl pyrophosphate synthetase 1; plus strand). Cytogenetic location: Xq22.3.
Variant type: single nucleotide variant.
Coding change: c.865-2A>T on transcript NM_002764.4 (MANE Select); the canonical splice acceptor site of the intron before coding-DNA position 865, A replaced by T.
Molecular consequence: splice acceptor variant.
Genome position (GRCh38, 1-based): chrX:107,649,938, A>T. VCF-style: chrX-107649938-A-T. GRCh37 (hg19) VCF-style: chrX-106893168-A-T.
Other names: c.253-2A>T (NM_001204402.2).
Identifiers: ClinVar variation 4731497 (VCV004731497.1).
Genomic context (GRCh38, chrX:107,649,938, plus strand): 5'-CAAATTGGCCAGTCATCTCTGACCATATGATAGTAACCTGATTTCCTTTCTTGCCTTTCT[A>T]GGTGATTGACATCTCTATGATCCTTGCAGAAGCCATCAGGAGAACTCACAATGGAGAATC-3'